The following is an entry in ClinVar:

NM_002292.4(LAMB2):c.1239C>A (p.Asp413Glu)

Gene: LAMB2 (laminin subunit beta 2; minus strand). Cytogenetic location: 3p21.31.
Variant type: single nucleotide variant.
Coding change: c.1239C>A on transcript NM_002292.4 (MANE Select); coding-DNA position 1239, C replaced by A.
Protein change: p.Asp413Glu; replaces aspartic acid 413 with glutamic acid.
Molecular consequence: missense variant.
Genome position (GRCh38, 1-based): chr3:49,130,005, G>T on the plus strand (C>A on the coding strand, the complement: LAMB2 is on the minus strand). VCF-style: chr3-49130005-G-T. GRCh37 (hg19) VCF-style: chr3-49167438-G-T.
Other names: short protein forms D413E.
Identifiers: ClinVar variation 3373456 (VCV003373456.1).

ClinVar aggregate classification (germline): Uncertain significance (1 of 4 stars; one submission).

Submission:

GeneDx
Classification: Uncertain significance. Last evaluated: 2024-03-04. Review status: criteria provided, single submitter. Criteria: GeneDx Variant Classification Process June 2021. Collection method: clinical testing. Allele origin: germline. Affected: yes.
Comment: Not observed at significant frequency in large population cohorts (gnomAD); In silico analysis supports that this missense variant has a deleterious effect on protein structure/function; Has not been previously published as pathogenic or benign to our knowledge